The following is an entry in ClinVar:

NM_000478.6(ALPL):c.661G>C (p.Gly221Arg)

Gene: ALPL (alkaline phosphatase, biomineralization associated; plus strand). Cytogenetic location: 1p36.12.
Variant type: single nucleotide variant.
Coding change: c.661G>C on transcript NM_000478.6 (MANE Select); coding-DNA position 661, G replaced by C.
Protein change: p.Gly221Arg; replaces glycine 221 with arginine.
Molecular consequence: missense variant.
Genome position (GRCh38, 1-based): chr1:21,568,116, G>C. VCF-style: chr1-21568116-G-C. GRCh37 (hg19) VCF-style: chr1-21894609-G-C.
Other names: c.496G>C, p.Gly166Arg (NM_001127501.4); c.430G>C, p.Gly144Arg (NM_001177520.3); c.661G>C, p.Gly221Arg (NM_001369803.2, NM_001369804.2, NM_001369805.2); c.661G>C (NM_000478.5); short protein forms G221R, G166R, G144R.
Identifiers: ClinVar variation 558588 (VCV000558588.52), dbSNP rs769020799, ClinGen allele CA666574.

ClinVar aggregate classification (germline): Pathogenic/Likely pathogenic. Review status: criteria provided, multiple submitters, no conflicts (2 of 4 stars). 7 submissions from 7 submitters: Pathogenic (5); Likely pathogenic (1). 1 of the submissions does not count toward it. Last evaluated 2026-01-27.

Conditions:
Hypophosphatasia. Also called: Phosphoethanol-aminuria. Identifiers: Orphanet 436, MedGen C0020630, MeSH D007014, MONDO:0018570.
Adult hypophosphatasia. Identifiers: Orphanet 247676, Orphanet 436, MedGen C0268413, MONDO:1010154, OMIM 146300, MONDO:0007798.
Infantile hypophosphatasia. Identifiers: Orphanet 247651, Orphanet 436, MedGen C0268412, MONDO:1010169, OMIM 241500, MONDO:0009427.

Allele frequency attached by ClinVar (database versions not stated): ExAC 0.00001.
gnomAD v4.1: 5 of 1,614,084 alleles (0.00031%); highest among the groups gnomAD compares: Non-Finnish European, 0.00042%; no homozygotes.

Submissions (7):

Labcorp Genetics (formerly Invitae), Labcorp
Classification: Pathogenic. Last evaluated: 2026-01-27. Review status: criteria provided, single submitter. Criteria: Invitae Variant Classification Sherloc (09022015). Collection method: clinical testing. Allele origin: germline.
Comment: This sequence change replaces glycine, which is neutral and non-polar, with arginine, which is basic and polar, at codon 221 of the ALPL protein (p.Gly221Arg). This variant is present in population databases (rs769020799, gnomAD 0.004%). This missense change has been observed in individual(s) with autosomal recessive and autosomal dominant hypophosphatasia (PMID: 25731960, 28401263, 28580391). ClinVar contains an entry for this variant (Variation ID: 558588). Invitae Evidence Modeling of protein sequence and biophysical properties (such as structural, functional, and spatial information, amino acid conservation, physicochemical variation, residue mobility, and thermodynamic stability) indicates that this missense variant is expected to disrupt ALPL protein function with a positive predictive value of 95%. For these reasons, this variant has been classified as Pathogenic.

Center for Genomic Medicine, Rigshospitalet, Copenhagen University Hospital
Classification: Pathogenic. Last evaluated: 2025-12-29. Review status: criteria provided, single submitter. Criteria: ACMG Guidelines, 2015. Collection method: clinical testing. Allele origin: germline.
Comment: Classification criteria: PS3_Strong, PM2_Supporting, PP3_Strong, PP4_Supporting

Genomenon, Inc
Classification: Pathogenic for Hypophosphatasia. Last evaluated: 2025-08-29. Review status: criteria provided, single submitter. Criteria: Genomenon Sequence Variant Interpretation Standards. Collection method: curation. Allele origin: germline. Affected: yes.
Comment: ALPL c.661G>C is a missense variant that changes the amino acid at residue 221 from Glycine to Arginine. This variant has been observed in at least one proband affected with hypophosphatasia (PMID:28401263;25731960;32811521;28580391). At least one functional study has demonstrated a substantial alteration in protein function relative to the wild-type (PMID:32160374). It is absent or not present at a significant frequency in gnomAD. In silico models agree that this variant is possibly or probably damaging. In conclusion, we classify ALPL p.Gly221Arg (c.661G>C) as a pathogenic variant.

Baylor Genetics
Classification: Pathogenic for Adult hypophosphatasia. Last evaluated: 2024-03-26. Review status: criteria provided, single submitter. Criteria: ACMG Guidelines, 2015. Collection method: clinical testing. Allele origin: unknown.

Women's Health and Genetics/Laboratory Corporation of America, LabCorp
Classification: Pathogenic for Hypophosphatasia. Last evaluated: 2023-03-21. Review status: criteria provided, single submitter. Criteria: LabCorp Variant Classification Summary - May 2015. Collection method: clinical testing. Allele origin: germline.
Comment: Variant summary: ALPL c.661G>C (p.Gly221Arg) results in a non-conservative amino acid change in the encoded protein sequence. Five of five in-silico tools predict a damaging effect of the variant on protein function. The variant allele was found at a frequency of 1.6e-05 in 251472 control chromosomes (gnomAD). c.661G>C has been reported in the literature in individuals affected with Hypophosphatasia (examples: Whyte_2015, Mori_2016, McKiernan_2017, DelAngel_2020). These data indicate that the variant is likely to be associated with disease. At least one publication reports experimental evidence evaluating an impact on protein function. The most pronounced variant effect results in <10% of normal activity (example: DelAngel_2020). Three clinical diagnostic laboratories have submitted clinical-significance assessments for this variant to ClinVar after 2014 and all classified the variant as pathogenic/likely pathogenic. Based on the evidence outlined above, the variant was classified as pathogenic.

CeGaT Center for Human Genetics Tuebingen
Classification: Likely pathogenic. Last evaluated: 2019-08-01. Review status: criteria provided, single submitter. Criteria: CeGaT Center For Human Genetics Tuebingen Variant Classification Criteria Version 2. Collection method: clinical testing. Allele origin: germline. Affected: yes. Observed: 1 variant allele.

Counsyl
Classification: Uncertain significance for Infantile hypophosphatasia. Last evaluated: 2018-05-31. Review status: no assertion criteria provided. Collection method: clinical testing. Allele origin: unknown. Not counted in ClinVar's aggregate classification.

Literature cited by the submitters: PubMed 25731960 (cited by 5 submitters); PubMed 28401263 (cited by 5 submitters); PubMed 28580391 (cited by 4 submitters); PubMed 32160374 (cited by 3 submitters); PubMed 32811521 (cited by Genomenon, Inc).